The following is an entry in ClinVar:

ClinVar aggregate classification (germline): Conflicting classifications of pathogenicity. Review status: criteria provided, conflicting classifications (1 of 4 stars). 4 submissions from 4 submitters: Uncertain significance (3); Benign (1). Last evaluated 2025-12-27.

Conditions:
CHARGE syndrome (CHARGE). Also called: Coloboma, heart anomaly, choanal atresia, retardation, genital and ear anomalies; CHARGE association; Hall-Hittner syndrome; Hittner Hirsch Kreh syndrome; CHARGE ASSOCIATION--COLOBOMA, HEART ANOMALY, CHOANAL ATRESIA, RETARDATION, GENITAL AND EAR ANOMALIES. Identifiers: Orphanet 138, MedGen C0265354, MONDO:0008965.
CHD7-related disorder. Also called: CHD7-related condition.
Inborn genetic diseases. Identifiers: MedGen C0950123, MeSH D030342.

Allele frequency attached by ClinVar (database versions not stated): TOPMed 0.00001; gnomAD 0.00002.
gnomAD v4.1: 12 of 1,613,528 alleles (0.00074%); highest among the groups gnomAD compares: African/African-American, 0.0013%; no homozygotes.

Submissions (4):

PreventionGenetics, part of Exact Sciences
Classification: Uncertain significance for CHD7-related condition. Last evaluated: 2025-12-27. Review status: criteria provided, single submitter. Criteria: ACMG Guidelines, 2015. Collection method: clinical testing. Allele origin: germline.
Comment: The CHD7 c.5336C>T variant is predicted to result in the amino acid substitution p.Ala1779Val. To our knowledge, this variant has not been reported in the literature. This variant is reported in 0.0041% of alleles in individuals of African descent in gnomAD. At this time, the clinical significance of this variant is uncertain due to the absence of conclusive functional and genetic evidence.

Ambry Genetics
Classification: Uncertain significance for Inborn genetic diseases. Last evaluated: 2025-10-14. Review status: criteria provided, single submitter. Criteria: Ambry Variant Classification Scheme 2023. Collection method: clinical testing. Allele origin: germline.

Labcorp Genetics (formerly Invitae), Labcorp
Classification: Benign for CHARGE syndrome. Last evaluated: 2025-09-10. Review status: criteria provided, single submitter. Criteria: Invitae Variant Classification Sherloc (09022015). Collection method: clinical testing. Allele origin: germline.

GeneDx
Classification: Uncertain significance. Last evaluated: 2022-01-18. Review status: criteria provided, single submitter. Criteria: GeneDx Variant Classification Process June 2021. Collection method: clinical testing. Allele origin: germline. Affected: yes.
Comment: In silico analysis supports that this missense variant does not alter protein structure/function; Has not been previously published as pathogenic or benign to our knowledge

NM_017780.4(CHD7):c.5336C>T (p.Ala1779Val)

Gene: CHD7 (chromodomain helicase DNA binding protein 7; plus strand). Cytogenetic location: 8q12.2.
Variant type: single nucleotide variant.
Coding change: c.5336C>T on transcript NM_017780.4 (MANE Select); coding-DNA position 5336, C replaced by T.
Protein change: p.Ala1779Val; replaces alanine 1779 with valine.
Molecular consequence: missense variant. On other transcripts: intron variant (1).
Genome position (GRCh38, 1-based): chr8:60,849,086, C>T. VCF-style: chr8-60849086-C-T. GRCh37 (hg19) VCF-style: chr8-61761645-C-T.
Other names: c.1717-13143C>T (NM_001316690.1); c.5336C>T (NM_017780.3); short protein forms A1779V.
Identifiers: ClinVar variation 1696913 (VCV001696913.9), dbSNP rs753913368, ClinGen allele CA4760343.